The following is an entry in ClinVar:

NM_001371928.1(AHDC1):c.3528G>A (p.Pro1176=)

Gene: AHDC1 (AT-hook DNA binding motif containing 1; minus strand). Cytogenetic location: 1p36.11.
Variant type: single nucleotide variant.
Coding change: c.3528G>A on transcript NM_001371928.1 (MANE Select); coding-DNA position 3528, G replaced by A.
Protein change: p.Pro1176=; no amino-acid change (proline 1176 retained).
Molecular consequence: synonymous variant.
Genome position (GRCh38, 1-based): chr1:27,548,588, C>T on the plus strand (G>A on the coding strand, the complement: AHDC1 is on the minus strand). VCF-style: chr1-27548588-C-T. GRCh37 (hg19) VCF-style: chr1-27875099-C-T.
Other names: c.3528G>A, p.Pro1176= (NM_001029882.3); c.-516G>A (NM_015699.1).
Identifiers: ClinVar variation 3040388 (VCV003040388.2), dbSNP rs144212274, ClinGen allele CA715548.
Genomic context (GRCh38, chr1:27,548,588, plus strand): 5'-CGACTGGCCCTCACTACTTGAGGCCTCGCTGTTGGCACGCCGAAACCCCCCGCCACCAAC[C>T]GGCTGATTGAACTGGGTGCTGTCGGAGGATGACTCAGAGAAGGTCTCCGACACAGCCGTC-3'
Protein context (NP_001358857.1, residues 1166-1186): SSSDSTQFNQ[Pro1176=]VGGGGFRRAN

ClinVar aggregate classification (germline): Likely benign (0 of 4 stars; one submission).

Conditions:
AHDC1-related disorder. Also called: AHDC1-related condition.

Allele frequency attached by ClinVar (database versions not stated): ExAC 0.00001; gnomAD 0.00001; TOPMed 0.00002; ESP Exome Variant Server 0.00008.
gnomAD v4.1: 13 of 1,613,418 alleles (0.00081%); highest among the groups gnomAD compares: African/African-American, 0.0067%; no homozygotes.

Submission:

PreventionGenetics, part of Exact Sciences
Classification: Likely benign for AHDC1-related condition. Last evaluated: 2019-09-19. Review status: no assertion criteria provided. Collection method: clinical testing. Allele origin: germline.
Comment: This variant is classified as likely benign based on ACMG/AMP sequence variant interpretation guidelines (Richards et al. 2015 PMID: 25741868, with internal and published modifications).